The following is an entry in ClinVar:

NM_016592.5(GNAS):c.642G>T (p.Lys214Asn)

Genes: GNAS (GNAS complex locus; plus strand), GNAS-AS1 (GNAS antisense RNA 1; minus strand). Cytogenetic location: 20q13.32.
Variant type: single nucleotide variant.
Coding change: c.642G>T on transcript NM_016592.5 (MANE Plus Clinical); coding-DNA position 642, G replaced by T.
Protein change: p.Lys214Asn; replaces lysine 214 with asparagine.
Molecular consequence: missense variant. On other transcripts: 5 prime UTR variant (1).
Genome position (GRCh38, 1-based): chr20:58,840,748, G>T. VCF-style: chr20-58840748-G-T. GRCh37 (hg19) VCF-style: chr20-57415803-G-T.
Other names: c.-96G>T (NM_001410912.1); short protein forms K214N.
Identifiers: ClinVar variation 3030053 (VCV003030053.2), dbSNP rs758514619, ClinGen allele CA409453161.

ClinVar aggregate classification (germline): Uncertain significance (0 of 4 stars; one submission).

Conditions:
GNAS-related disorder. Identifiers: MedGen CN380105.

Submission:

PreventionGenetics, part of Exact Sciences
Classification: Uncertain significance for GNAS-related condition. Last evaluated: 2023-10-30. Review status: no assertion criteria provided. Collection method: clinical testing. Allele origin: germline.
Comment: The GNAS c.642G>T variant is predicted to result in the amino acid substitution p.Lys214Asn. To our knowledge, this variant has not been reported in the literature or in a large population database, indicating this variant is rare. At this time, the clinical significance of this variant is uncertain due to the absence of conclusive functional and genetic evidence.